The following is an entry in ClinVar:

NM_000275.3(OCA2):c.2389G>T (p.Ala797Ser)

Gene: OCA2 (OCA2 melanosomal transmembrane protein; minus strand). Cytogenetic location: 15q13.1.
Variant type: single nucleotide variant.
Coding change: c.2389G>T on transcript NM_000275.3 (MANE Select); coding-DNA position 2389, G replaced by T.
Protein change: p.Ala797Ser; replaces alanine 797 with serine.
Molecular consequence: missense variant.
Genome position (GRCh38, 1-based): chr15:27,845,002, C>A on the plus strand (G>T on the coding strand, the complement: OCA2 is on the minus strand). VCF-style: chr15-27845002-C-A. GRCh37 (hg19) VCF-style: chr15-28090148-C-A.
Other names: c.2317G>T, p.Ala773Ser (NM_001300984.2); short protein forms A773S, A797S.
Identifiers: ClinVar variation 2180607 (VCV002180607.1), dbSNP rs769973912, ClinGen allele CA7438585.

ClinVar aggregate classification (germline): Uncertain significance (1 of 4 stars; one submission).

Allele frequency attached by ClinVar (database versions not stated): gnomAD exomes below 0.00001; ExAC 0.00002.
gnomAD v4.1: 5 of 1,614,036 alleles (0.00031%); highest among the groups gnomAD compares: Admixed American, 0.0083%; no homozygotes.

Submission:

Labcorp Genetics (formerly Invitae), Labcorp
Classification: Uncertain significance. Last evaluated: 2022-07-13. Review status: criteria provided, single submitter. Criteria: Invitae Variant Classification Sherloc (09022015). Collection method: clinical testing. Allele origin: germline.
Comment: This sequence change replaces alanine, which is neutral and non-polar, with serine, which is neutral and polar, at codon 797 of the OCA2 protein (p.Ala797Ser). This variant is present in population databases (rs769973912, gnomAD 0.01%). This variant has not been reported in the literature in individuals affected with OCA2-related conditions. Algorithms developed to predict the effect of missense changes on protein structure and function are either unavailable or do not agree on the potential impact of this missense change (SIFT: "Tolerated"; PolyPhen-2: "Probably Damaging"; Align-GVGD: "Class C0"). In summary, the available evidence is currently insufficient to determine the role of this variant in disease. Therefore, it has been classified as a Variant of Uncertain Significance.